The following is an entry in ClinVar:

NM_000352.6(ABCC8):c.4284C>T (p.Pro1428=)

Gene: ABCC8 (ATP binding cassette subfamily C member 8; minus strand). Cytogenetic location: 11p15.1.
Variant type: single nucleotide variant.
Coding change: c.4284C>T on transcript NM_000352.6 (MANE Select); coding-DNA position 4284, C replaced by T.
Protein change: p.Pro1428=; no amino-acid change (proline 1428 retained).
Molecular consequence: synonymous variant. On other transcripts: non-coding transcript variant (1).
Genome position (GRCh38, 1-based): chr11:17,395,633, G>A on the plus strand (C>T on the coding strand, the complement: ABCC8 is on the minus strand). VCF-style: chr11-17395633-G-A. GRCh37 (hg19) VCF-style: chr11-17417180-G-A.
Other names: c.4284C>T (NM_000352.4); c.4287C>T, p.Pro1429= (NM_001287174.3); c.4350C>T, p.Pro1450= (NM_001351295.2); c.4284C>T, p.Pro1428= (NM_001351296.2); c.4281C>T, p.Pro1427= (NM_001351297.2).
Identifiers: ClinVar variation 1096994 (VCV001096994.9), dbSNP rs986616476, ClinGen allele CA218407947.

ClinVar aggregate classification (germline): Likely benign. Review status: criteria provided, single submitter (1 of 4 stars). 2 submissions from 2 submitters: Likely benign (1). 1 of the submissions does not count toward it. Last evaluated 2026-01-22.

Conditions:
ABCC8-related disorder.

Allele frequency attached by ClinVar (database versions not stated): gnomAD 0.00004; TOPMed 0.00005; 1000 Genomes Project 30x 0.00016.
gnomAD v4.1: 8 of 1,557,684 alleles (0.00051%); highest among the groups gnomAD compares: African/African-American, 0.0095%; no homozygotes.

Submissions (2):

Labcorp Genetics (formerly Invitae), Labcorp
Classification: Likely benign. Last evaluated: 2026-01-22. Review status: criteria provided, single submitter. Criteria: Invitae Variant Classification Sherloc (09022015). Collection method: clinical testing. Allele origin: germline.

PreventionGenetics, part of Exact Sciences
Classification: Likely benign for ABCC8-related condition. Last evaluated: 2019-07-10. Review status: no assertion criteria provided. Collection method: clinical testing. Allele origin: germline. Not counted in ClinVar's aggregate classification.
Comment: This variant is classified as likely benign based on ACMG/AMP sequence variant interpretation guidelines (Richards et al. 2015 PMID: 25741868, with internal and published modifications).